The following is an entry in ClinVar:

ClinVar aggregate classification (germline): Uncertain significance (1 of 4 stars; one submission).

Submission:

Labcorp Genetics (formerly Invitae), Labcorp
Classification: Uncertain significance. Last evaluated: 2023-06-25. Review status: criteria provided, single submitter. Criteria: Invitae Variant Classification Sherloc (09022015). Collection method: clinical testing. Allele origin: germline.
Comment: In summary, the available evidence is currently insufficient to determine the role of this variant in disease. Therefore, it has been classified as a Variant of Uncertain Significance. Experimental studies and prediction algorithms are not available or were not evaluated, and the functional significance of this variant is currently unknown. This variant has not been reported in the literature in individuals affected with XPR1-related conditions. This variant is not present in population databases (gnomAD no frequency). This variant, c.1746_1751del, results in the deletion of 2 amino acid(s) of the XPR1 protein (p.Thr583_Leu584del), but otherwise preserves the integrity of the reading frame.

NM_004736.4(XPR1):c.1746_1751del (p.Thr583_Leu584del)

Gene: XPR1 (xenotropic and polytropic retrovirus receptor 1; plus strand). Cytogenetic location: 1q25.3.
Variant type: Deletion.
Coding change: c.1746_1751del on transcript NM_004736.4 (MANE Select); coding-DNA positions 1746 to 1751, 6 bases deleted (AACTTT; older notation c.1746_1751delAACTTT).
Protein change: p.Thr583_Leu584del.
Molecular consequence: inframe deletion. On other transcripts: non-coding transcript variant (1).
Genome position (GRCh38, 1-based): chr1:180,873,880-180,873,885, AACTTT deleted. VCF-style (leftmost placement, unchanged base first): chr1-180873879-CAACTTT-C. GRCh37 (hg19) VCF-style: chr1-180843015-CAACTTT-C.
Other names: c.1551_1556del, p.Thr518_Leu519del (NM_001135669.2).
Identifiers: ClinVar variation 2717654 (VCV002717654.3), dbSNP rs2526042545, ClinGen allele CA2697554713.